The following is an entry in ClinVar:

ClinVar aggregate classification (germline): Benign/Likely benign. Review status: criteria provided, multiple submitters, no conflicts (2 of 4 stars). 5 submissions from 5 submitters: Benign (3); Likely benign (2). Last evaluated 2026-01-28.

Conditions:
Deficiency of malonyl-CoA decarboxylase. Also called: Malonic aciduria; MCD deficiency. Identifiers: Orphanet 943, MedGen C0342793, MONDO:0009556, OMIM 248360.

Allele frequency attached by ClinVar (database versions not stated): 1000 Genomes Project 30x 0.01889; TOPMed 0.00847; 1000 Genomes Project 0.02037; ESP Exome Variant Server 0.00033; gnomAD 0.00265.
gnomAD v4.1: 4,999 of 1,614,142 alleles (0.31%); highest among the groups gnomAD compares: East Asian, 9.8%; 234 homozygotes.

Submissions (5):

Labcorp Genetics (formerly Invitae), Labcorp
Classification: Benign for Deficiency of malonyl-CoA decarboxylase. Last evaluated: 2026-01-28. Review status: criteria provided, single submitter. Criteria: Invitae Variant Classification Sherloc (09022015). Collection method: clinical testing. Allele origin: germline.

Illumina Laboratory Services, Illumina
Classification: Likely benign for Deficiency of malonyl-CoA decarboxylase. Last evaluated: 2017-04-27. Review status: criteria provided, single submitter. Criteria: ICSL Variant Classification Criteria 13 December 2019. Collection method: clinical testing. Allele origin: germline.
Comment: This variant was observed as part of a predisposition screen in an ostensibly healthy population. A literature search was performed for the gene, cDNA change, and amino acid change (where applicable). Publications were found based on this search. The evidence from the literature, in combination with allele frequency data from public databases where available, was sufficient to determine this variant is unlikely to cause disease. Therefore, this variant is classified as likely benign.

GeneDx
Classification: Benign. Last evaluated: 2016-09-26. Review status: criteria provided, single submitter. Criteria: GeneDx Variant Classification (06012015). Collection method: clinical testing. Allele origin: germline. Affected: yes.
Comment: This variant is considered likely benign or benign based on one or more of the following criteria: it is a conservative change, it occurs at a poorly conserved position in the protein, it is predicted to be benign by multiple in silico algorithms, and/or has population frequency not consistent with disease.

Eurofins Ntd Llc (ga)
Classification: Benign. Last evaluated: 2013-02-22. Review status: criteria provided, single submitter. Criteria: EGL Classification Definitions 2015. Collection method: clinical testing. Allele origin: germline. Observed: 1 variant allele, 1 heterozygote.

Breakthrough Genomics
Classification: Likely benign. Review status: criteria provided, single submitter. Criteria: ACMG Guidelines, 2015. Collection method: not provided. Allele origin: germline. Inheritance: Autosomal recessive inheritance. Affected: yes.

Literature cited by the submitters: PubMed 22104738 (cited by Illumina Laboratory Services, Illumina).

NM_012213.3(MLYCD):c.776G>C (p.Gly259Ala)

Gene: MLYCD (malonyl-CoA decarboxylase; plus strand). Cytogenetic location: 16q23.3.
Variant type: single nucleotide variant.
Coding change: c.776G>C on transcript NM_012213.3 (MANE Select); coding-DNA position 776, G replaced by C.
Protein change: p.Gly259Ala; replaces glycine 259 with alanine.
Molecular consequence: missense variant.
Genome position (GRCh38, 1-based): chr16:83,908,260, G>C. VCF-style: chr16-83908260-G-C. GRCh37 (hg19) VCF-style: chr16-83941865-G-C.
Other names: short protein forms G259A.
Identifiers: ClinVar variation 95505 (VCV000095505.20), dbSNP rs77493891, ClinGen allele CA148569.